The following is an entry in ClinVar:

ClinVar aggregate classification (germline): Conflicting classifications of pathogenicity. Review status: criteria provided, conflicting classifications (1 of 4 stars). 2 submissions from 2 submitters: Uncertain significance (1); Likely benign (1). Last evaluated 2022-11-04.

Allele frequency attached by ClinVar (database versions not stated): gnomAD exomes 0.00001.
gnomAD v4.1: 3 of 1,561,286 alleles (0.00019%); highest among the groups gnomAD compares: Admixed American, 0.0019%; no homozygotes.

Submissions (2):

Labcorp Genetics (formerly Invitae), Labcorp
Classification: Uncertain significance. Last evaluated: 2022-11-04. Review status: criteria provided, single submitter. Criteria: Invitae Variant Classification Sherloc (09022015). Collection method: clinical testing. Allele origin: germline.
Comment: In summary, the available evidence is currently insufficient to determine the role of this variant in disease. Therefore, it has been classified as a Variant of Uncertain Significance. Advanced modeling of protein sequence and biophysical properties (such as structural, functional, and spatial information, amino acid conservation, physicochemical variation, residue mobility, and thermodynamic stability) performed at Invitae indicates that this missense variant is not expected to disrupt SETBP1 protein function. ClinVar contains an entry for this variant (Variation ID: 1683915). This variant has not been reported in the literature in individuals affected with SETBP1-related conditions. The frequency data for this variant in the population databases is considered unreliable, as metrics indicate poor data quality at this position in the gnomAD database. This sequence change replaces serine, which is neutral and polar, with threonine, which is neutral and polar, at codon 1490 of the SETBP1 protein (p.Ser1490Thr).

GeneDx
Classification: Likely benign. Last evaluated: 2022-06-28. Review status: criteria provided, single submitter. Criteria: GeneDx Variant Classification Process June 2021. Collection method: clinical testing. Allele origin: germline. Affected: yes.
Comment: See Variant Classification Assertion Criteria.

NM_015559.3(SETBP1):c.4469G>C (p.Ser1490Thr)

Gene: SETBP1 (SET binding protein 1; plus strand). Cytogenetic location: 18q12.3.
Variant type: single nucleotide variant.
Coding change: c.4469G>C on transcript NM_015559.3 (MANE Select); coding-DNA position 4469, G replaced by C.
Protein change: p.Ser1490Thr; replaces serine 1490 with threonine.
Molecular consequence: missense variant.
Genome position (GRCh38, 1-based): chr18:45,063,376, G>C. VCF-style: chr18-45063376-G-C. GRCh37 (hg19) VCF-style: chr18-42643341-G-C.
Other names: c.4469G>C, p.Ser1490Thr (NM_001379141.1, NM_001379142.1); short protein forms S1490T.
Identifiers: ClinVar variation 1683915 (VCV001683915.6), dbSNP rs1193044740, ClinGen allele CA402483484.